The following is an entry in ClinVar:

NM_007294.4(BRCA1):c.3710T>C (p.Ile1237Thr)

Genes: BRCA1 (BRCA1 DNA repair associated; minus strand), LOC126862571 (BRD4-independent group 4 enhancer GRCh37_chr17:41243136-41244335; plus strand). Cytogenetic location: 17q21.31.
Variant type: single nucleotide variant.
Coding change: c.3710T>C on transcript NM_007294.4 (MANE Select); coding-DNA position 3710, T replaced by C.
Protein change: p.Ile1237Thr; replaces isoleucine 1237 with threonine.
Molecular consequence: missense variant. On other transcripts: intron variant (135).
Genome position (GRCh38, 1-based): chr17:43,091,821, A>G on the plus strand (T>C on the coding strand, the complement: BRCA1 is on the minus strand). VCF-style: chr17-43091821-A-G. GRCh37 (hg19) VCF-style: chr17-41243838-A-G.
Other names: c.3497T>C, p.Ile1166Thr (NM_001407571.1, NM_001407853.1, NM_001407894.1 and 9 more transcripts); c.3710T>C, p.Ile1237Thr (NM_001407581.1, NM_001407582.1, NM_001407583.1 and 30 more transcripts); c.3707T>C, p.Ile1236Thr (NM_001407587.1, NM_001407590.1, NM_001407591.1 and 22 more transcripts); c.3509T>C, p.Ile1170Thr (NM_001407862.1); c.3587T>C, p.Ile1196Thr (NM_001407863.1, NM_001407919.1, NM_001407648.1 and 19 more transcripts); c.3506T>C, p.Ile1169Thr (NM_001407874.1, NM_001407875.1); c.3500T>C, p.Ile1167Thr (NM_001407879.1, NM_001407881.1, NM_001407882.1 and 13 more transcripts); c.3446T>C, p.Ile1149Thr (NM_001407920.1, NM_001407921.1, NM_001407922.1 and 9 more transcripts); and 41 more; short protein forms I1237T, I1190T, I1069T, I1166T, I1236T, I369T, I1125T, I1189T.
Identifiers: ClinVar variation 234148 (VCV000234148.16), dbSNP rs876660883, ClinGen allele CA10580554.

ClinVar aggregate classification (germline): Conflicting classifications of pathogenicity. Review status: criteria provided, conflicting classifications (1 of 4 stars). 3 submissions from 3 submitters: Uncertain significance (1); Likely benign (2). Last evaluated 2026-01-14.

Conditions:
Hereditary cancer-predisposing syndrome. Also called: Neoplastic Syndromes, Hereditary; Tumor predisposition; Hereditary Cancer Syndrome; Hereditary neoplastic syndrome. Identifiers: Orphanet 140162, MedGen C0027672, MeSH D009386, MONDO:0015356.
Hereditary breast ovarian cancer syndrome. Also called: Hereditary breast and ovarian cancer syndrome; BRCA1- and BRCA2-Associated Hereditary Breast and Ovarian Cancer; Breast and ovarian cancer; Hereditary breast and/or ovarian cancer syndrome; Hereditary breast and ovarian cancer; Hereditary breast and ovarian cancer syndrome (HBOC). Identifiers: Orphanet 145, MedGen C0677776, MeSH D061325, MONDO:0003582. Disease mechanism: loss of function.

Allele frequency attached by ClinVar (database versions not stated): gnomAD exomes below 0.00001; TOPMed below 0.00001; gnomAD 0.00001.

Submissions (3):

Labcorp Genetics (formerly Invitae), Labcorp
Classification: Uncertain significance for Hereditary breast ovarian cancer syndrome. Last evaluated: 2026-01-14. Review status: criteria provided, single submitter. Criteria: Invitae Variant Classification Sherloc (09022015). Collection method: clinical testing. Allele origin: germline.
Comment: This sequence change replaces isoleucine, which is neutral and non-polar, with threonine, which is neutral and polar, at codon 1237 of the BRCA1 protein (p.Ile1237Thr). This variant is not present in population databases (gnomAD no frequency). This variant has not been reported in the literature in individuals affected with BRCA1-related conditions. ClinVar contains an entry for this variant (Variation ID: 234148). Invitae Evidence Modeling of protein sequence and biophysical properties (such as structural, functional, and spatial information, amino acid conservation, physicochemical variation, residue mobility, and thermodynamic stability) indicates that this missense variant is not expected to disrupt BRCA1 protein function with a negative predictive value of 80%. In summary, the available evidence is currently insufficient to determine the role of this variant in disease. Therefore, it has been classified as a Variant of Uncertain Significance.

University of Washington Department of Laboratory Medicine, University of Washington
Classification: Likely benign for Hereditary cancer-predisposing syndrome. Last evaluated: 2023-03-23. Review status: criteria provided, single submitter. Criteria: Dines et al. (Genet Med. 2020). Collection method: curation. Allele origin: germline.
Comment: Missense variant in a coldspot region where missense variants are very unlikely to be pathogenic (PMID:31911673).

BRCA1 coldspot (exon 11 using historical exon numbering). Reclassification based on statistical prior probability

Ambry Genetics
Classification: Likely benign for Hereditary cancer-predisposing syndrome. Last evaluated: 2022-08-08. Review status: criteria provided, single submitter. Criteria: Ambry Variant Classification Scheme 2023. Collection method: clinical testing. Allele origin: germline.